The following is an entry in ClinVar:

ClinVar aggregate classification (germline): Likely pathogenic (1 of 4 stars; one submission).

Conditions:
DNA ligase IV deficiency. Identifiers: Orphanet 99812, MedGen C1847827, MONDO:0011686, OMIM 606593.

Submission:

3billion
Classification: Likely pathogenic for DNA ligase IV deficiency. Last evaluated: 2023-06-29. Review status: criteria provided, single submitter. Criteria: ACMG Guidelines, 2015. Collection method: clinical testing. Allele origin: germline. Affected: yes.
Comment: The variant is observed at an extremely low frequency in the gnomAD v2.1.1 dataset (total allele frequency: <0.001%). Predicted Consequence/Location: Stop-gained (nonsense): predicted to result in a loss or disruption of normal protein function through protein truncation. The predicted truncated protein may be shortened by more than 10%. Therefore, this variant is classified as Likely pathogenic according to the recommendation of ACMG/AMP guideline.

NM_206937.2(LIG4):c.367G>T (p.Gly123Ter)

Gene: LIG4 (DNA ligase 4; minus strand). Cytogenetic location: 13q33.3.
Variant type: single nucleotide variant.
Coding change: c.367G>T on transcript NM_206937.2 (MANE Select); coding-DNA position 367, G replaced by T.
Protein change: p.Gly123Ter; replaces glycine 123 with a stop codon.
Molecular consequence: nonsense.
Genome position (GRCh38, 1-based): chr13:108,210,902, C>A on the plus strand (G>T on the coding strand, the complement: LIG4 is on the minus strand). VCF-style: chr13-108210902-C-A. GRCh37 (hg19) VCF-style: chr13-108863250-C-A.
Other names: c.367G>T, p.Gly123Ter (NM_001098268.2, NM_001352598.2, NM_001352599.2 and 6 more transcripts); c.166G>T, p.Gly56Ter (NM_001330595.2); c.403G>T, p.Gly135Ter (NM_001352604.2); short protein forms G123*, G135*, G56*.
Identifiers: ClinVar variation 3775477 (VCV003775477.1).